The following is an entry in ClinVar:

ClinVar aggregate classification (germline): Pathogenic/Likely pathogenic. Review status: criteria provided, multiple submitters, no conflicts (2 of 4 stars). 6 submissions from 6 submitters: Pathogenic (3); Likely pathogenic (2). 1 of the submissions does not count toward it. Last evaluated 2026-09-16.

Conditions:
Inborn genetic diseases. Identifiers: MedGen C0950123, MeSH D030342.
Autosomal recessive congenital ichthyosis 2 (ARCI2). Identifiers: Orphanet 281122, Orphanet 79394, MedGen C3888093, MONDO:0009439, OMIM 242100.
Ichthyosis and erythrokeratoderma.
ALOX12B-related disorder. Also called: ALOX12B-related condition.

Allele frequency attached by ClinVar (database versions not stated): ExAC 0.00003; gnomAD exomes 0.00003; TOPMed 0.00005; gnomAD 0.00006 and 0.00007; 1000 Genomes Project 30x 0.00016; 1000 Genomes Project 0.00020.
gnomAD v4.1: 122 of 1,613,982 alleles (0.0076%); highest among the groups gnomAD compares: Non-Finnish European, 0.0092%; no homozygotes.

Submissions (6):

Genetics Laboratory, Great Ormond Street Hospital NHS Foundation Trust, North Thames Genomic Laboratory Hub
Classification: Likely pathogenic for Ichthyosis and erythrokeratoderma. Last evaluated: 2026-09-16. Review status: criteria provided, single submitter. Criteria: ACGS Best Practice Guidelines for Variant Classification in Rare Disease 2024 v1.2. Collection method: clinical testing. Allele origin: germline. Affected: yes.
Comment: PM2_moderate, PM3_strong

GeneDx
Classification: Likely pathogenic. Last evaluated: 2026-09-10. Review status: criteria provided, single submitter. Criteria: GeneDx Variant Classification Process June 2021. Collection method: clinical testing. Allele origin: germline.
Comment: In silico analysis supports that this missense variant has a deleterious effect on protein structure/function; This variant is associated with the following publications: (PMID: 31168818, 33435499)

Ambry Genetics
Classification: Pathogenic for Inborn genetic diseases. Last evaluated: 2026-01-02. Review status: criteria provided, single submitter. Criteria: Ambry Variant Classification Scheme 2023. Collection method: clinical testing. Allele origin: germline.
Comment: The c.1163C>T (p.A388V) alteration is located in exon 9 (coding exon 9) of the ALOX12B gene. This alteration results from a C to T substitution at nucleotide position 1163, causing the alanine (A) at amino acid position 388 to be replaced by a valine (V). Based on data from gnomAD, the T allele has an overall frequency of 0.004% (10/282168) total alleles studied. The highest observed frequency was 0.007% (2/30594) of South Asian alleles. This variant has been identified in the homozygous state and/or in conjunction with other ALOX12B variant(s) in individual(s) with features consistent with ALOX12B-related congenital ichthyosis (Simpson, 2020; Hotz, 2021; external communication). This amino acid position is well conserved in available vertebrate species. The in silico prediction for this alteration is inconclusive. Based on the available evidence, this alteration is classified as pathogenic.

Labcorp Genetics (formerly Invitae), Labcorp
Classification: Pathogenic. Last evaluated: 2025-01-18. Review status: criteria provided, single submitter. Criteria: Invitae Variant Classification Sherloc (09022015). Collection method: clinical testing. Allele origin: germline.
Comment: This sequence change replaces alanine, which is neutral and non-polar, with valine, which is neutral and non-polar, at codon 388 of the ALOX12B protein (p.Ala388Val). This variant is present in population databases (rs202128350, gnomAD 0.007%). This missense change has been observed in individuals with autosomal recessive congenital ichthyosis (PMID: 31168818, 33435499; internal data). ClinVar contains an entry for this variant (Variation ID: 386689). Invitae Evidence Modeling of protein sequence and biophysical properties (such as structural, functional, and spatial information, amino acid conservation, physicochemical variation, residue mobility, and thermodynamic stability) indicates that this missense variant is expected to disrupt ALOX12B protein function with a positive predictive value of 95%. For these reasons, this variant has been classified as Pathogenic.

Blueprint Genetics
Classification: Pathogenic for ALOX12B-related disorders. Last evaluated: 2024-11-25. Review status: criteria provided, single submitter. Criteria: ACMG Guidelines, 2015. Collection method: clinical testing. Allele origin: germline. Affected: yes. Observed: 5 variant alleles.

Institute for Human Genetics, University Medical Center Freiburg
Classification: Pathogenic for Autosomal recessive congenital ichthyosis 2. Last evaluated: 2021-01-07. Review status: no assertion criteria provided. Collection method: clinical testing. Allele origin: unknown. Affected: yes. Not counted in ClinVar's aggregate classification.

Literature cited by the submitters: PubMed 31168818 (cited by 3 submitters); PubMed 33435499 (cited by Ambry Genetics and Labcorp Genetics (formerly Invitae), Labcorp).

NM_001139.3(ALOX12B):c.1163C>T (p.Ala388Val)

Gene: ALOX12B (arachidonate 12-lipoxygenase, 12R type; minus strand). Cytogenetic location: 17p13.1.
Variant type: single nucleotide variant.
Coding change: c.1163C>T on transcript NM_001139.3 (MANE Select); coding-DNA position 1163, C replaced by T.
Protein change: p.Ala388Val; replaces alanine 388 with valine.
Molecular consequence: missense variant.
Genome position (GRCh38, 1-based): chr17:8,077,102, G>A on the plus strand (C>T on the coding strand, the complement: ALOX12B is on the minus strand). VCF-style: chr17-8077102-G-A. GRCh37 (hg19) VCF-style: chr17-7980420-G-A.
Other names: c.1163C>T, p.Ala388Val (LRG_1264t1); short protein forms A388V.
Identifiers: ClinVar variation 386689 (VCV000386689.13), dbSNP rs202128350, ClinGen allele CA8367380.